The following is an entry in ClinVar:

ClinVar aggregate classification (germline): Pathogenic/Likely pathogenic. Review status: criteria provided, multiple submitters, no conflicts (2 of 4 stars). 7 submissions from 7 submitters: Pathogenic (2); Likely pathogenic (4). 1 of the submissions does not count toward it. Last evaluated 2026-01-25.

Conditions:
Autosomal recessive limb-girdle muscular dystrophy. Identifiers: Orphanet 102015, MedGen C2931907, MONDO:0015152.
Distal myopathy with anterior tibial onset. Identifiers: Orphanet 178400, MedGen C1847532, MONDO:0011721, OMIM 606768.
Miyoshi muscular dystrophy 1 (MMD1). Identifiers: Orphanet 45448, MedGen C4551973, MONDO:0024545, OMIM 254130.
Autosomal recessive limb-girdle muscular dystrophy type 2B (LGMDR2). Also called: Limb-Girdle Muscular Dystrophy Type 2B (LGMD2B); MUSCULAR DYSTROPHY, LIMB-GIRDLE, TYPE 3; Limb-girdle muscular dystrophy, type 2B; MUSCULAR DYSTROPHY, LIMB-GIRDLE, AUTOSOMAL RECESSIVE 2. Identifiers: Orphanet 268, MedGen C1850889, MONDO:0009676, OMIM 253601.
Neuromuscular disease caused by qualitative or quantitative defects of dysferlin. Also called: Dysferlinopathy; Qualitative or quantitative defects of dysferlin. Identifiers: Orphanet 207073, MedGen C2931687, MONDO:0016145.

Allele frequency attached by ClinVar (database versions not stated): gnomAD exomes 0.00001.

Submissions (7):

Labcorp Genetics (formerly Invitae), Labcorp
Classification: Pathogenic for Neuromuscular disease caused by qualitative or quantitative defects of dysferlin. Last evaluated: 2026-01-25. Review status: criteria provided, single submitter. Criteria: Invitae Variant Classification Sherloc (09022015). Collection method: clinical testing. Allele origin: germline.
Comment: This sequence change replaces proline, which is neutral and non-polar, with serine, which is neutral and polar, at codon 1970 of the DYSF protein (p.Pro1970Ser). This variant is not present in population databases (gnomAD no frequency). This missense change has been observed in individual(s) with limb-girdle muscular dystrophy type 2B (PMID: 18853459, 21484829, 27666772, 33610434). ClinVar contains an entry for this variant (Variation ID: 381677). Invitae Evidence Modeling of protein sequence and biophysical properties (such as structural, functional, and spatial information, amino acid conservation, physicochemical variation, residue mobility, and thermodynamic stability) has been performed for this missense variant. However, the output from this modeling did not meet the statistical confidence thresholds required to predict the impact of this variant on DYSF protein function. For these reasons, this variant has been classified as Pathogenic.

Natera, Inc.
Classification: Likely pathogenic for Limb-girdle muscular dystrophy type 2B. Last evaluated: 2025-10-27. Review status: criteria provided, single submitter. Criteria: Natera Variant Classification Schema (03/2026). Collection method: clinical testing. Allele origin: germline.
Comment: The c.5908C>T variant in DYSF is a missense variant predicted to cause substitution of proline to serine at amino acid 1970. This variant is rare in the general population with a frequency below the threshold expected for the associated phenotype(s). This variant has been observed in one or more individuals affected with the associated recessive disease, as either homozygous or compound heterozygous with a second variant (PMID: 18853459, 27666772, 36983702). This variant has been identified in one or more affected individual with a phenotype highly consistent with the associated gene (PMID: 27666772). Computational prediction algorithms indicate this variant is likely to affect gene or protein function. Given the available evidence, this variant is classified as Likely Pathogenic.

Myriad Genetics, Inc.
Classification: Likely pathogenic for Autosomal recessive limb-girdle muscular dystrophy. Last evaluated: 2025-09-17. Review status: criteria provided, single submitter. Criteria: Myriad Autosomal Dominant, Autosomal Recessive and X-Linked Classification Criteria (2023). Collection method: clinical testing. Allele origin: unknown.
Comment: NM_003494.3(DYSF):c.5908C>T(P1970S) is a missense variant classified as likely pathogenic in the context of dysferlinopathy. P1970S has been observed in cases with relevant disease (PMID: 18853459, 21484829, 27666772). Relevant functional assessments of this variant are available in the literature (PMID: 35028538). P1970S has not been observed in referenced population frequency databases. In summary, NM_003494.3(DYSF):c.5908C>T(P1970S) is a missense variant that has functional support for pathogenicity and has been observed more frequently in cases with the relevant disease than in healthy populations. Please note: this variant was assessed in the context of healthy population screening.

Fulgent Genetics
Classification: Likely pathogenic for Autosomal recessive limb-girdle muscular dystrophy type 2B; Miyoshi muscular dystrophy 1; Distal myopathy with anterior tibial onset. Last evaluated: 2024-01-30. Review status: criteria provided, single submitter. Criteria: ACMG Guidelines, 2015. Collection method: clinical testing. Allele origin: germline.

Baylor Genetics
Classification: Pathogenic for Miyoshi muscular dystrophy 1. Last evaluated: 2022-11-15. Review status: criteria provided, single submitter. Criteria: ACMG Guidelines, 2015. Collection method: clinical testing. Allele origin: unknown.

GeneDx
Classification: Likely pathogenic. Last evaluated: 2016-02-29. Review status: criteria provided, single submitter. Criteria: GeneDx Variant Classification (06012015). Collection method: clinical testing. Allele origin: germline. Affected: yes.
Comment: The P1970S variant in the DYSF gene has been reported previously in association with limb girdle muscular dystrophy type 2B (LGMD2B) and absence of dysferlin on muscle biopsy by immunohistochemistry or Western blot (Krahn et al., 2009; Walsh et al., 2011). The P1970S variant was not observed in approximately 6500 individuals of European and African American ancestry in the NHLBI Exome Sequencing Project, indicating it is not a common benign variant in these populations. The P1970S variant is a non-conservative amino acid substitution, which is likely to impact secondary protein structure as these residues differ in polarity, charge, size and/or other properties. This substitution occurs at a position that is conserved across species. In silico analysis predicts this variant is probably damaging to the protein structure/function. The P1970S variant is a strong candidate for a pathogenic variant, however the possibility it may be a rare benign variant cannot be excluded.

Counsyl
Classification: Likely pathogenic for Autosomal recessive limb-girdle muscular dystrophy type 2B. Last evaluated: 2017-12-07. Review status: no assertion criteria provided. Collection method: clinical testing. Allele origin: unknown. Not counted in ClinVar's aggregate classification.

Literature cited by the submitters: PubMed 18853459 (cited by 4 submitters); PubMed 21484829 (cited by Labcorp Genetics (formerly Invitae), Labcorp and Myriad Genetics, Inc.); PubMed 27666772 (cited by 4 submitters); PubMed 33610434 (cited by Labcorp Genetics (formerly Invitae), Labcorp); PubMed 36983702 (cited by Natera, Inc.); PubMed 35028538 (cited by Myriad Genetics, Inc.); PubMed 27602406 (cited by Counsyl).

NM_001130987.2(DYSF):c.6025C>T (p.Pro2009Ser)

Gene: DYSF (dysferlin; plus strand). Cytogenetic location: 2p13.2.
Variant type: single nucleotide variant.
Coding change: c.6025C>T on transcript NM_001130987.2 (MANE Select); coding-DNA position 6025, C replaced by T.
Protein change: p.Pro2009Ser; replaces proline 2009 with serine.
Molecular consequence: missense variant.
Genome position (GRCh38, 1-based): chr2:71,679,197, C>T. VCF-style: chr2-71679197-C-T. GRCh37 (hg19) VCF-style: chr2-71906327-C-T.
Other names: c.5929C>T, p.Pro1977Ser (NM_001130977.2); c.5971C>T, p.Pro1991Ser (NM_001130978.2); c.6001C>T, p.Pro2001Ser (NM_001130979.2); c.5959C>T, p.Pro1987Ser (NM_001130980.2); c.6022C>T, p.Pro2008Ser (NM_001130981.2); c.6004C>T, p.Pro2002Ser (NM_001130982.2); c.5974C>T, p.Pro1992Ser (NM_001130983.2); c.5932C>T, p.Pro1978Ser (NM_001130984.2); and 5 more; short protein forms P1970S, P2009S, P1957S, P1978S, P2001S, P2002S, P2008S, P1971S.
Identifiers: ClinVar variation 381677 (VCV000381677.17), dbSNP rs1057521141, ClinGen allele CA16604254.